The following is an entry in ClinVar:

NM_005263.5(GFI1):c.1231C>A (p.Leu411Ile)

Genes: GFI1 (growth factor independent 1 transcriptional repressor; minus strand), LOC129930930 (ATAC-STARR-seq lymphoblastoid active region 1314; plus strand). Cytogenetic location: 1p22.1.
Variant type: single nucleotide variant.
Coding change: c.1231C>A on transcript NM_005263.5 (MANE Select); coding-DNA position 1231, C replaced by A.
Protein change: p.Leu411Ile; replaces leucine 411 with isoleucine.
Molecular consequence: missense variant.
Genome position (GRCh38, 1-based): chr1:92,476,067, G>T on the plus strand (C>A on the coding strand, the complement: GFI1 is on the minus strand). VCF-style: chr1-92476067-G-T. GRCh37 (hg19) VCF-style: chr1-92941624-G-T.
Other names: c.1231C>A, p.Leu411Ile (NM_001127215.3, NM_001127216.3); short protein forms L411I.
Identifiers: ClinVar variation 4029413 (VCV004029413.1).

ClinVar aggregate classification (germline): Uncertain significance (1 of 4 stars; one submission).

Submission:

Ambry Genetics
Classification: Uncertain significance. Last evaluated: 2025-05-02. Review status: criteria provided, single submitter. Criteria: Ambry Variant Classification Scheme 2023. Collection method: clinical testing. Allele origin: germline.
Comment: The p.L411I variant (also known as c.1231C>A), located in coding exon 6 of the GFI1 gene, results from a C to A substitution at nucleotide position 1231. The leucine at codon 411 is replaced by isoleucine, an amino acid with highly similar properties. This amino acid position is conserved. In addition, this alteration is predicted to be tolerated by in silico analysis. Based on the available evidence, the clinical significance of this variant remains unclear.